The following is an entry in ClinVar:

NM_001018113.3(FANCB):c.304A>G (p.Asn102Asp)

Gene: FANCB (FA complementation group B; minus strand). Cytogenetic location: Xp22.2.
Variant type: single nucleotide variant.
Coding change: c.304A>G on transcript NM_001018113.3 (MANE Select); coding-DNA position 304, A replaced by G.
Protein change: p.Asn102Asp; replaces asparagine 102 with aspartic acid.
Molecular consequence: missense variant. On other transcripts: non-coding transcript variant (1).
Genome position (GRCh38, 1-based): chrX:14,865,207, T>C on the plus strand (A>G on the coding strand, the complement: FANCB is on the minus strand). VCF-style: chrX-14865207-T-C. GRCh37 (hg19) VCF-style: chrX-14883329-T-C.
Other names: c.304A>G, p.Asn102Asp (NM_152633.4, NM_001324162.2, NM_001410764.1); short protein forms N102D.
Identifiers: ClinVar variation 2628877 (VCV002628877.4), dbSNP rs1569092764, ClinGen allele CA412444813.
Genomic context (GRCh38, chrX:14,865,207, plus strand): 5'-AACGCATTTCAAATTTATTAGTACTGTGAAGGATTAGTAAAAAATATTCAAAAACATTAT[T>C]CTTTTTATTTTTTTCTATCACAATGTAAGGGAGGTTAATTCCAGTTCTGAAATCTGACAC-3'
Protein context (NP_001018123.1, residues 92-112): PYIVIEKNKK[Asn102Asp]NVFEYFLLIL

ClinVar aggregate classification (germline): Uncertain significance. Review status: criteria provided, multiple submitters, no conflicts (2 of 4 stars). 3 submissions from 3 submitters: Uncertain significance (3). Last evaluated 2025-09-10.

Conditions:
Fanconi anemia (FA). Also called: Fanconi's anemia. Identifiers: Orphanet 84, MedGen C0015625, MeSH D005199, MONDO:0019391.
FANCB-related disorder. Also called: FANCB-related condition.
Inborn genetic diseases. Identifiers: MedGen C0950123, MeSH D030342.

Allele frequency attached by ClinVar (database versions not stated): TOPMed 0.00004.
gnomAD v4.1: 2 of 1,160,737 alleles (0.00017%); no homozygotes.

Submissions (3):

Labcorp Genetics (formerly Invitae), Labcorp
Classification: Uncertain significance for Fanconi anemia. Last evaluated: 2025-09-10. Review status: criteria provided, single submitter. Criteria: Invitae Variant Classification Sherloc (09022015). Collection method: clinical testing. Allele origin: germline.
Comment: This sequence change replaces asparagine, which is neutral and polar, with aspartic acid, which is acidic and polar, at codon 102 of the FANCB protein (p.Asn102Asp). This variant is not present in population databases (gnomAD no frequency). This variant has not been reported in the literature in individuals affected with FANCB-related conditions. ClinVar contains an entry for this variant (Variation ID: 2628877). Invitae Evidence Modeling of protein sequence and biophysical properties (such as structural, functional, and spatial information, amino acid conservation, physicochemical variation, residue mobility, and thermodynamic stability) indicates that this missense variant is not expected to disrupt FANCB protein function with a negative predictive value of 80%. In summary, the available evidence is currently insufficient to determine the role of this variant in disease. Therefore, it has been classified as a Variant of Uncertain Significance.

Ambry Genetics
Classification: Uncertain significance for Inborn genetic diseases. Last evaluated: 2024-01-30. Review status: criteria provided, single submitter. Criteria: Ambry Variant Classification Scheme 2023. Collection method: clinical testing. Allele origin: germline.

PreventionGenetics, part of Exact Sciences
Classification: Uncertain significance for FANCB-related condition. Last evaluated: 2022-10-11. Review status: criteria provided, single submitter. Criteria: ACMG Guidelines, 2015. Collection method: clinical testing. Allele origin: germline.
Comment: The FANCB c.304A>G variant is predicted to result in the amino acid substitution p.Asn102Asp. To our knowledge, this variant has not been reported in the literature. This variant is reported in 0.0% of alleles in individuals of African descent in gnomAD. At this time, the clinical significance of this variant is uncertain due to the absence of conclusive functional and genetic evidence.